The following is an entry in ClinVar:

NM_025114.4(CEP290):c.3803del (p.Gln1268fs)

Gene: CEP290 (centrosomal protein 290; minus strand). Cytogenetic location: 12q21.32.
Variant type: Deletion.
Coding change: c.3803del on transcript NM_025114.4 (MANE Select); coding-DNA position 3803, one base deleted (A; older notation c.3803delA).
Protein change: p.Gln1268fs; shifts the reading frame from glutamine 1268.
Molecular consequence: frameshift variant.
Genome position (GRCh38, 1-based): chr12:88,089,258, T deleted on the plus strand (A on the coding strand, the reverse complement: CEP290 is on the minus strand). VCF-style (leftmost placement, unchanged base first): chr12-88089257-CT-C. GRCh37 (hg19) VCF-style: chr12-88483034-CT-C.
Other names: c.3803delA (NM_025114.3); short protein forms Q1268fs.
Identifiers: ClinVar variation 1434722 (VCV001434722.8), dbSNP rs2036830890, ClinGen allele CA2052918698.

ClinVar aggregate classification (germline): Pathogenic/Likely pathogenic. Review status: criteria provided, multiple submitters, no conflicts (2 of 4 stars). 3 submissions from 3 submitters: Pathogenic (1); Likely pathogenic (2). Last evaluated 2025-09-23.

Conditions:
CEP290-related disorder. Also called: CEP290-related condition; CEP290-related disorders. Identifiers: MedGen CN239314.
Nephronophthisis. Also called: Juvenile Nephronophthisis. Identifiers: Orphanet 655, MedGen C0687120, MONDO:0019005, HP:0000090.
Meckel-Gruber syndrome. Also called: DYSENCEPHALIA SPLANCHNOCYSTICA; GRUBER SYNDROME; Dysencephalia splachnocystica. Identifiers: Orphanet 564, MedGen C0265215, MONDO:0018921.
Joubert syndrome. Also called: JOUBERT-BOLTSHAUSER SYNDROME; Familial aplasia of the vermis. Identifiers: Orphanet 475, MedGen C5979921, MONDO:0018772.

Allele frequency attached by ClinVar (database versions not stated): gnomAD exomes below 0.00001.

Submissions (3):

PreventionGenetics, part of Exact Sciences
Classification: Likely pathogenic for CEP290-related condition. Last evaluated: 2025-09-23. Review status: criteria provided, single submitter. Criteria: ACMG Guidelines, 2015. Collection method: clinical testing. Allele origin: germline.
Comment: The CEP290 c.3803delA variant is predicted to result in a frameshift and premature protein termination (p.Gln1268Argfs*23). To our knowledge, this variant has not been reported in the literature or in a large population database (gnomAD), indicating this variant is rare. Frameshift variants in CEP290 are expected to be pathogenic. This variant is interpreted as likely pathogenic.

Labcorp Genetics (formerly Invitae), Labcorp
Classification: Pathogenic for Joubert syndrome; Meckel-Gruber syndrome; Nephronophthisis. Last evaluated: 2024-11-05. Review status: criteria provided, single submitter. Criteria: Invitae Variant Classification Sherloc (09022015). Collection method: clinical testing. Allele origin: germline.
Comment: This sequence change creates a premature translational stop signal (p.Gln1268Argfs*23) in the CEP290 gene. It is expected to result in an absent or disrupted protein product. Loss-of-function variants in CEP290 are known to be pathogenic (PMID: 16909394, 17345604, 20690115). This variant is not present in population databases (gnomAD no frequency). This variant has not been reported in the literature in individuals affected with CEP290-related conditions. ClinVar contains an entry for this variant (Variation ID: 1434722). For these reasons, this variant has been classified as Pathogenic.

Blueprint Genetics
Classification: Likely pathogenic for CEP290-related disorders. Last evaluated: 2023-04-12. Review status: criteria provided, single submitter. Criteria: ACMG Guidelines, 2015. Collection method: clinical testing. Allele origin: germline. Affected: yes. Observed: 1 variant allele.

Literature cited by the submitters: PubMed 16909394 (cited by Labcorp Genetics (formerly Invitae), Labcorp); PubMed 17345604 (cited by Labcorp Genetics (formerly Invitae), Labcorp); PubMed 20690115 (cited by Labcorp Genetics (formerly Invitae), Labcorp).